The following is an entry in ClinVar:

NM_001083614.2(EARS2):c.367C>G (p.Leu123Val)

Gene: EARS2 (glutamyl-tRNA synthetase 2, mitochondrial; minus strand). Cytogenetic location: 16p12.2.
Variant type: single nucleotide variant.
Coding change: c.367C>G on transcript NM_001083614.2 (MANE Select); coding-DNA position 367, C replaced by G.
Protein change: p.Leu123Val; replaces leucine 123 with valine.
Molecular consequence: missense variant. On other transcripts: non-coding transcript variant (1).
Genome position (GRCh38, 1-based): chr16:23,544,632, G>C on the plus strand (C>G on the coding strand, the complement: EARS2 is on the minus strand). VCF-style: chr16-23544632-G-C. GRCh37 (hg19) VCF-style: chr16-23555953-G-C.
Other names: c.367C>G, p.Leu123Val (NM_001308211.1); c.367C>G (NM_001083614.1); short protein forms L123V.
Identifiers: ClinVar variation 1409901 (VCV001409901.9), dbSNP rs1404765635, ClinGen allele CA395138600.

ClinVar aggregate classification (germline): Uncertain significance. Review status: criteria provided, multiple submitters, no conflicts (2 of 4 stars). 2 submissions from 2 submitters: Uncertain significance (2). Last evaluated 2024-08-10.

Conditions:
Inborn genetic diseases. Identifiers: MedGen C0950123, MeSH D030342.

gnomAD v4.1: 6 of 1,612,436 alleles (0.00037%); highest among the groups gnomAD compares: East Asian, 0.0022%; no homozygotes.

Submissions (2):

Ambry Genetics
Classification: Uncertain significance for Inborn genetic diseases. Last evaluated: 2024-08-10. Review status: criteria provided, single submitter. Criteria: Ambry Variant Classification Scheme 2023. Collection method: clinical testing. Allele origin: germline.

Labcorp Genetics (formerly Invitae), Labcorp
Classification: Uncertain significance. Last evaluated: 2022-09-01. Review status: criteria provided, single submitter. Criteria: Invitae Variant Classification Sherloc (09022015). Collection method: clinical testing. Allele origin: germline.
Comment: In summary, the available evidence is currently insufficient to determine the role of this variant in disease. Therefore, it has been classified as a Variant of Uncertain Significance. Algorithms developed to predict the effect of sequence changes on RNA splicing suggest that this variant may create or strengthen a splice site. Algorithms developed to predict the effect of missense changes on protein structure and function are either unavailable or do not agree on the potential impact of this missense change (SIFT: "Tolerated"; PolyPhen-2: "Probably Damaging"; Align-GVGD: "Class C0"). ClinVar contains an entry for this variant (Variation ID: 1409901). This variant has not been reported in the literature in individuals affected with EARS2-related conditions. This variant is not present in population databases (gnomAD no frequency). This sequence change replaces leucine, which is neutral and non-polar, with valine, which is neutral and non-polar, at codon 123 of the EARS2 protein (p.Leu123Val).